The following is an entry in ClinVar:

NM_152328.5(ADSS1):c.193-4797G>T

Gene: ADSS1 (adenylosuccinate synthase 1; plus strand). Cytogenetic location: 14q32.33.
Variant type: single nucleotide variant.
Coding change: c.193-4797G>T on transcript NM_152328.5 (MANE Select); 4797 bases into the intron before coding-DNA position 193, G replaced by T.
Molecular consequence: intron variant.
Genome position (GRCh38, 1-based): chr14:104,730,223, G>T. VCF-style: chr14-104730223-G-T. GRCh37 (hg19) VCF-style: chr14-105196560-G-T.
Other names: c.321+10G>T (NM_199165.2); c.-407+10G>T (NM_001320424.1).
Identifiers: ClinVar variation 1681898 (VCV001681898.10), dbSNP rs1211339845, ClinGen allele CA616584862.

ClinVar aggregate classification (germline): Likely benign. Review status: criteria provided, single submitter (1 of 4 stars). 2 submissions from 2 submitters: Likely benign (1). 1 of the submissions does not count toward it. Last evaluated 2024-06-26.

Conditions:
ADSS1-related disorder. Also called: ADSS1-related condition.

Allele frequency attached by ClinVar (database versions not stated): gnomAD 0.00001; gnomAD exomes 0.00001; TOPMed 0.00002.
gnomAD v4.1: 10 of 1,492,766 alleles (0.00067%); highest among the groups gnomAD compares: Non-Finnish European, 0.0009%; no homozygotes.

Submissions (2):

Labcorp Genetics (formerly Invitae), Labcorp
Classification: Likely benign. Last evaluated: 2024-06-26. Review status: criteria provided, single submitter. Criteria: Invitae Variant Classification Sherloc (09022015). Collection method: clinical testing. Allele origin: germline.

PreventionGenetics, part of Exact Sciences
Classification: Likely benign for ADSS1-related condition. Last evaluated: 2020-07-09. Review status: no assertion criteria provided. Collection method: clinical testing. Allele origin: germline. Not counted in ClinVar's aggregate classification.
Comment: This variant is classified as likely benign based on ACMG/AMP sequence variant interpretation guidelines (Richards et al. 2015 PMID: 25741868, with internal and published modifications).